The following is an entry in ClinVar:

NM_145239.3(PRRT2):c.776G>A (p.Gly259Asp)

Genes: MVP-DT (MVP divergent transcript; minus strand), PRRT2 (proline rich transmembrane protein 2; plus strand). Cytogenetic location: 16p11.2.
Variant type: single nucleotide variant.
Coding change: c.776G>A on transcript NM_145239.3 (MANE Select); coding-DNA position 776, G replaced by A.
Protein change: p.Gly259Asp; replaces glycine 259 with aspartic acid.
Molecular consequence: missense variant.
Genome position (GRCh38, 1-based): chr16:29,813,830, G>A. VCF-style: chr16-29813830-G-A. GRCh37 (hg19) VCF-style: chr16-29825151-G-A.
Other names: c.776G>A, p.Gly259Asp (NM_001256442.2, NM_001256443.2); c.776G>A (NM_145239.2); short protein forms G259D.
Identifiers: ClinVar variation 3706562 (VCV003706562.4).
Genomic context (GRCh38, chr16:29,813,830, plus strand): 5'-CCCGAGGTAGCCTGAGCCGCCACCCCAGCTCCCAGTTGGCAGGTCCTGGGGTGGAGGGGG[G>A]TGAAGGCACCCAGAAACCTCGGGACTACATCATCCTTGCCATCCTGTCCTGCTTCTGCCC-3'
Protein context (NP_660282.2, residues 249-269): SQLAGPGVEG[Gly259Asp]EGTQKPRDYI

ClinVar aggregate classification (germline): Uncertain significance. Review status: criteria provided, multiple submitters, no conflicts (2 of 4 stars). 2 submissions from 2 submitters: Uncertain significance (2). Last evaluated 2026-02-10.

Conditions:
Episodic kinesigenic dyskinesia (EKD). Also called: Paroxysmal kinesigenic dyskinesia. Identifiers: Orphanet 98809, MedGen C1868682, MONDO:0044202.

Submissions (2):

GeneDx
Classification: Uncertain significance. Last evaluated: 2026-02-10. Review status: criteria provided, single submitter. Criteria: GeneDx Variant Classification Process June 2021. Collection method: clinical testing. Allele origin: germline.
Comment: Not observed at significant frequency in large population cohorts (gnomAD); In silico analysis suggests that this missense variant does not alter protein structure/function; Has not been previously published as pathogenic or benign to our knowledge

Labcorp Genetics (formerly Invitae), Labcorp
Classification: Uncertain significance for Episodic kinesigenic dyskinesia. Last evaluated: 2024-06-22. Review status: criteria provided, single submitter. Criteria: Invitae Variant Classification Sherloc (09022015). Collection method: clinical testing. Allele origin: germline.
Comment: This sequence change replaces glycine, which is neutral and non-polar, with aspartic acid, which is acidic and polar, at codon 259 of the PRRT2 protein (p.Gly259Asp). This variant is not present in population databases (gnomAD no frequency). This variant has not been reported in the literature in individuals affected with PRRT2-related conditions. Advanced modeling of protein sequence and biophysical properties (such as structural, functional, and spatial information, amino acid conservation, physicochemical variation, residue mobility, and thermodynamic stability) performed at Invitae indicates that this missense variant is not expected to disrupt PRRT2 protein function with a negative predictive value of 95%. In summary, the available evidence is currently insufficient to determine the role of this variant in disease. Therefore, it has been classified as a Variant of Uncertain Significance.